The following is an entry in ClinVar:

ClinVar aggregate classification (germline): Likely benign (0 of 4 stars; one submission).

Conditions:
CNTNAP1-related disorder. Also called: CNTNAP1-related disease; CNTNAP1-related condition.

Submission:

PreventionGenetics, part of Exact Sciences
Classification: Likely benign for CNTNAP1-related condition. Last evaluated: 2019-05-28. Review status: no assertion criteria provided. Collection method: clinical testing. Allele origin: germline.
Comment: This variant is classified as likely benign based on ACMG/AMP sequence variant interpretation guidelines (Richards et al. 2015 PMID: 25741868, with internal and published modifications).

NM_003632.3(CNTNAP1):c.3475-27CCCTCC[4]

Gene: CNTNAP1 (contactin associated protein 1; plus strand). Cytogenetic location: 17q21.2.
Variant type: Microsatellite.
Coding change: c.3475-27CCCTCC[4] on transcript NM_003632.3 (MANE Select); four copies in a row of the 6-base unit CCCTCC starting at c.3475-27.
Molecular consequence: intron variant.
Genome position: GRCh38 VCF-style: chr17-42697246-G-GCCCTCC. GRCh37 (hg19) VCF-style: chr17-40849264-G-GCCCTCC.
Identifiers: ClinVar variation 3038509 (VCV003038509.2), dbSNP rs746278364, ClinGen allele CA8582343.